The following is an entry in ClinVar:

ClinVar aggregate classification (germline): Uncertain significance (1 of 4 stars; one submission).

Submission:

Labcorp Genetics (formerly Invitae), Labcorp
Classification: Uncertain significance. Last evaluated: 2022-07-06. Review status: criteria provided, single submitter. Criteria: Invitae Variant Classification Sherloc (09022015). Collection method: clinical testing. Allele origin: germline.
Comment: In summary, the available evidence is currently insufficient to determine the role of this variant in disease. Therefore, it has been classified as a Variant of Uncertain Significance. Advanced modeling of protein sequence and biophysical properties (such as structural, functional, and spatial information, amino acid conservation, physicochemical variation, residue mobility, and thermodynamic stability) performed at Invitae indicates that this missense variant is expected to disrupt ACO2 protein function. ClinVar contains an entry for this variant (Variation ID: 1435315). This variant has not been reported in the literature in individuals affected with ACO2-related conditions. This variant is not present in population databases (gnomAD no frequency). This sequence change replaces histidine, which is basic and polar, with tyrosine, which is neutral and polar, at codon 194 of the ACO2 protein (p.His194Tyr).

NM_001098.3(ACO2):c.580C>T (p.His194Tyr)

Gene: ACO2 (aconitase 2; plus strand). Cytogenetic location: 22q13.2.
Variant type: single nucleotide variant.
Coding change: c.580C>T on transcript NM_001098.3 (MANE Select); coding-DNA position 580, C replaced by T.
Protein change: p.His194Tyr; replaces histidine 194 with tyrosine.
Molecular consequence: missense variant.
Genome position (GRCh38, 1-based): chr22:41,515,431, C>T. VCF-style: chr22-41515431-C-T. GRCh37 (hg19) VCF-style: chr22-41911435-C-T.
Other names: short protein forms H194Y.
Identifiers: ClinVar variation 1435315 (VCV001435315.8), dbSNP rs2146124412, ClinGen allele CA411717872.